The following is an entry in ClinVar:

NM_001099403.2(PRDM8):c.1805AGCTGC[1] (p.602QL[1])

Gene: PRDM8 (PR/SET domain 8; plus strand). Cytogenetic location: 4q21.21.
Variant type: Microsatellite.
Coding change: c.1805AGCTGC[1] on transcript NM_001099403.2 (MANE Select); one copy of the 6-base unit AGCTGC starting at c.1805; the reference has two copies in a row; one copy, 6 bases deleted.
Protein change: p.602QL[1].
Molecular consequence: inframe deletion.
Genome position (GRCh38, 1-based): chr4:80,203,273-80,203,278, AGCTGC deleted; deleting any 6 consecutive bases within chr4:80,203,264-80,203,278 gives the same sequence; the position shown is the placement nearest the transcript's 3' end. VCF-style (leftmost placement, unchanged base first): chr4-80203263-TTGCAGC-T. GRCh37 (hg19) VCF-style: chr4-81124417-TTGCAGC-T.
Other names: c.1805AGCTGC[1], p.602QL[1] (NM_020226.4); c.1811_1816delAGCTGC (NM_020226.3).
Identifiers: ClinVar variation 663627 (VCV000663627.8), dbSNP rs777876948, ClinGen allele CA915943129.

ClinVar aggregate classification (germline): Uncertain significance (1 of 4 stars; one submission).

Conditions:
Early-onset Lafora body disease. Also called: Epilepsy, progressive myoclonic, 10. Identifiers: Orphanet 324290, MedGen C4225258, MONDO:0014717, OMIM 616640.

Submission:

Labcorp Genetics (formerly Invitae), Labcorp
Classification: Uncertain significance for Early-onset Lafora body disease. Last evaluated: 2022-07-26. Review status: criteria provided, single submitter. Criteria: Invitae Variant Classification Sherloc (09022015). Collection method: clinical testing. Allele origin: germline.
Comment: This variant, c.1811_1816del, results in the deletion of 2 amino acid(s) of the PRDM8 protein (p.Gln604_Leu605del), but otherwise preserves the integrity of the reading frame. This variant is not present in population databases (gnomAD no frequency). This variant has not been reported in the literature in individuals affected with PRDM8-related conditions. ClinVar contains an entry for this variant (Variation ID: 663627). Experimental studies and prediction algorithms are not available or were not evaluated, and the functional significance of this variant is currently unknown. In summary, the available evidence is currently insufficient to determine the role of this variant in disease. Therefore, it has been classified as a Variant of Uncertain Significance.